The following is an entry in ClinVar:

NM_019066.5(MAGEL2):c.1103G>C (p.Trp368Ser)

Gene: MAGEL2 (MAGE family member L2; minus strand). Cytogenetic location: 15q11.2.
Variant type: single nucleotide variant.
Coding change: c.1103G>C on transcript NM_019066.5 (MANE Select); coding-DNA position 1103, G replaced by C.
Protein change: p.Trp368Ser; replaces tryptophan 368 with serine.
Molecular consequence: missense variant.
Genome position (GRCh38, 1-based): chr15:23,646,640, C>G on the plus strand (G>C on the coding strand, the complement: MAGEL2 is on the minus strand). VCF-style: chr15-23646640-C-G. GRCh37 (hg19) VCF-style: chr15-23891787-C-G.
Other names: short protein forms W368S.
Identifiers: ClinVar variation 1313377 (VCV001313377.2), dbSNP rs1890412733, ClinGen allele CA391335172.

ClinVar aggregate classification (germline): Uncertain significance (1 of 4 stars; one submission).

Submission:

GeneDx
Classification: Uncertain significance. Last evaluated: 2020-10-26. Review status: criteria provided, single submitter. Criteria: GeneDx Variant Classification Process June 2021. Collection method: clinical testing. Allele origin: germline. Affected: yes.
Comment: Has not been previously published as pathogenic or benign to our knowledge; In silico analysis supports that this missense variant has a deleterious effect on protein structure/function; Not observed in large population cohorts (Lek et al., 2016)